The following is an entry in ClinVar:

ClinVar aggregate classification (germline): Uncertain significance (1 of 4 stars; one submission).

Conditions:
Neuropathy, hereditary sensory and autonomic, type 2A (HSAN2A). Also called: ACROOSTEOLYSIS, GIACCAI TYPE; ACROOSTEOLYSIS, NEUROGENIC; MORVAN DISEASE; NEUROPATHY, CONGENITAL SENSORY; NEUROPATHY, HEREDITARY SENSORY RADICULAR, AUTOSOMAL RECESSIVE; NEUROPATHY, HEREDITARY SENSORY, TYPE IIA. Identifiers: Orphanet 970, MedGen C2752089, MONDO:0024309, OMIM 201300.
Pseudohypoaldosteronism type 2C (PHA2C). Also called: Pseudohypoaldosteronism Type IIC. Identifiers: Orphanet 757, Orphanet 88940, MedGen C1840391, MONDO:0013778, OMIM 614492.

Allele frequency attached by ClinVar (database versions not stated): gnomAD exomes below 0.00001 and 0.00001; gnomAD 0.00001; ExAC 0.00002.
gnomAD v4.1: 5 of 1,614,026 alleles (0.00031%); highest among the groups gnomAD compares: South Asian, 0.0011%; no homozygotes.

Submission:

Labcorp Genetics (formerly Invitae), Labcorp
Classification: Uncertain significance for Neuropathy, hereditary sensory and autonomic, type 2A; Pseudohypoaldosteronism type 2C. Last evaluated: 2024-10-27. Review status: criteria provided, single submitter. Criteria: Invitae Variant Classification Sherloc (09022015). Collection method: clinical testing. Allele origin: germline.
Comment: This sequence change replaces arginine, which is basic and polar, with glutamine, which is neutral and polar, at codon 1519 of the WNK1 protein (p.Arg1519Gln). This variant is present in population databases (rs766946869, gnomAD 0.002%). This variant has not been reported in the literature in individuals affected with WNK1-related conditions. ClinVar contains an entry for this variant (Variation ID: 1468195). Invitae Evidence Modeling of protein sequence and biophysical properties (such as structural, functional, and spatial information, amino acid conservation, physicochemical variation, residue mobility, and thermodynamic stability) indicates that this missense variant is not expected to disrupt WNK1 protein function with a negative predictive value of 95%. In summary, the available evidence is currently insufficient to determine the role of this variant in disease. Therefore, it has been classified as a Variant of Uncertain Significance.

NM_018979.4(WNK1):c.3800G>A (p.Arg1267Gln)

Gene: WNK1 (WNK lysine deficient protein kinase 1; plus strand). Cytogenetic location: 12p13.33.
Variant type: single nucleotide variant.
Coding change: c.3800G>A on transcript NM_018979.4 (MANE Select); coding-DNA position 3800, G replaced by A.
Protein change: p.Arg1267Gln; replaces arginine 1267 with glutamine.
Molecular consequence: missense variant.
Genome position (GRCh38, 1-based): chr12:884,199, G>A. VCF-style: chr12-884199-G-A. GRCh37 (hg19) VCF-style: chr12-993365-G-A.
Other names: c.4580G>A, p.Arg1527Gln (NM_001184985.2); c.3059G>A, p.Arg1020Gln (NM_014823.3); c.4556G>A, p.Arg1519Gln (NM_213655.5); short protein forms R1020Q, R1267Q, R1519Q, R1527Q.
Identifiers: ClinVar variation 1468195 (VCV001468195.8), dbSNP rs766946869, ClinGen allele CA6382854.